The following is an entry in ClinVar:

NM_001376.5(DYNC1H1):c.925C>T (p.Arg309Cys)

Gene: DYNC1H1 (dynein cytoplasmic 1 heavy chain 1; plus strand). Cytogenetic location: 14q32.31.
Variant type: single nucleotide variant.
Coding change: c.925C>T on transcript NM_001376.5 (MANE Select); coding-DNA position 925, C replaced by T.
Protein change: p.Arg309Cys; replaces arginine 309 with cysteine.
Molecular consequence: missense variant.
Genome position (GRCh38, 1-based): chr14:101,980,514, C>T. VCF-style: chr14-101980514-C-T. GRCh37 (hg19) VCF-style: chr14-102446851-C-T.
Other names: short protein forms R309C.
Identifiers: ClinVar variation 3613691 (VCV003613691.3).

ClinVar aggregate classification (germline): Likely pathogenic (1 of 4 stars; one submission).

Conditions:
Charcot-Marie-Tooth disease axonal type 2O. Also called: CHARCOT-MARIE-TOOTH NEUROPATHY, AXONAL, TYPE 2O; CHARCOT-MARIE-TOOTH DISEASE, AXONAL, AUTOSOMAL DOMINANT, TYPE 2O; Charcot-Marie-Tooth Neuropathy Type 2O; Charcot-Marie-Tooth disease, axonal, type 20. Identifiers: Orphanet 284232, MedGen C3280220, MONDO:0013644, OMIM 614228.

Submission:

Labcorp Genetics (formerly Invitae), Labcorp
Classification: Likely pathogenic for Charcot-Marie-Tooth disease axonal type 2O. Last evaluated: 2024-09-30. Review status: criteria provided, single submitter. Criteria: Invitae Variant Classification Sherloc (09022015). Collection method: clinical testing. Allele origin: germline.
Comment: This sequence change replaces arginine, which is basic and polar, with cysteine, which is neutral and slightly polar, at codon 309 of the DYNC1H1 protein (p.Arg309Cys). This variant is not present in population databases (gnomAD no frequency). This missense change has been observed in individual(s) with autism (PMID: 28714951, 31133750, 35982159, 35982160). Invitae Evidence Modeling of protein sequence and biophysical properties (such as structural, functional, and spatial information, amino acid conservation, physicochemical variation, residue mobility, and thermodynamic stability) indicates that this missense variant is expected to disrupt DYNC1H1 protein function with a positive predictive value of 95%. This variant disrupts the p.Arg309 amino acid residue in DYNC1H1. Other variant(s) that disrupt this residue have been determined to be pathogenic (PMID: 29671837). This suggests that this residue is clinically significant, and that variants that disrupt this residue are likely to be disease-causing. In summary, the currently available evidence indicates that the variant is pathogenic, but additional data are needed to prove that conclusively. Therefore, this variant has been classified as Likely Pathogenic.

Literature cited by the submitters: PubMed 28714951; PubMed 31133750; PubMed 35982159; PubMed 35982160; PubMed 29671837.